The following is an entry in ClinVar:

NM_002878.4(RAD51D):c.2T>G (p.Met1Arg)

Genes: RAD51D (RAD51 paralog D; minus strand), RAD51L3-RFFL (RAD51L3-RFFL readthrough; minus strand). Cytogenetic location: 17q12.
Variant type: single nucleotide variant.
Coding change: c.2T>G on transcript NM_002878.4 (MANE Select); coding-DNA position 2, T replaced by G.
Protein change: p.Met1Arg; changes the start codon (methionine 1).
Molecular consequence: missense variant, initiator codon variant. On other transcripts: non-coding transcript variant (2).
Genome position (GRCh38, 1-based): chr17:35,119,612, A>C on the plus strand (T>G on the coding strand, the complement: RAD51D is on the minus strand). VCF-style: chr17-35119612-A-C. GRCh37 (hg19) VCF-style: chr17-33446631-A-C.
Other names: c.2T>G, p.Met1Arg (NM_001142571.2, NM_133629.3); short protein forms M1R.
Identifiers: ClinVar variation 420660 (VCV000420660.11), dbSNP rs1064794619, ClinGen allele CA16620396.

ClinVar aggregate classification (germline): Conflicting classifications of pathogenicity. Review status: criteria provided, conflicting classifications (1 of 4 stars). 4 submissions from 4 submitters: Pathogenic (1); Likely pathogenic (2); Uncertain significance (1). Last evaluated 2024-01-05.

Conditions:
Hereditary cancer-predisposing syndrome. Also called: Hereditary neoplastic syndrome; Tumor predisposition; Neoplastic Syndromes, Hereditary; Hereditary Cancer Syndrome. Identifiers: Orphanet 140162, MedGen C0027672, MeSH D009386, MONDO:0015356.
Hereditary breast ovarian cancer syndrome. Also called: Hereditary breast and ovarian cancer; Hereditary breast and/or ovarian cancer syndrome; Hereditary breast and ovarian cancer syndrome; Hereditary breast and ovarian cancer syndrome (HBOC); Breast and ovarian cancer; BRCA1- and BRCA2-Associated Hereditary Breast and Ovarian Cancer. Identifiers: Orphanet 145, MedGen C0677776, MeSH D061325, MONDO:0003582. Disease mechanism: loss of function.
Breast-ovarian cancer, familial, susceptibility to, 4. Identifiers: Orphanet 145, MedGen C3280345, MONDO:0013669, OMIM 614291.

Submissions (4):

German Consortium for Hereditary Breast and Ovarian Cancer, University Hospital Cologne
Classification: Likely pathogenic for Hereditary breast ovarian cancer syndrome. Last evaluated: 2024-01-05. Review status: criteria provided, single submitter. Criteria: ACMG Guidelines, 2015. Collection method: curation. Allele origin: germline.
Comment: Initiation codon variant, Class 4. According to the ACMG standard criteria we chose these criteria: PVS1 (very strong pathogenic): Initiation codon, PS1 (medium pathogenic): Additional variants affecting the start codon also classified as class 4/5. Possible alternative start codon at position 16 but pathogenic variants in first 15 aa described in ovarian cancer patients in ClinVar, PM2 (supporting pathogenic): absent from controls

Ambry Genetics
Classification: Pathogenic for Hereditary cancer-predisposing syndrome. Last evaluated: 2022-01-27. Review status: criteria provided, single submitter. Criteria: Ambry Variant Classification Scheme 2023. Collection method: clinical testing. Allele origin: germline.
Comment: The p.M1? pathogenic mutation (also known as c.2T>G) is located in coding exon 1 of the RAD51D gene and results from a T to G substitution at nucleotide position 2. This alters the methionine residue at the initiation codon (ATG). This amino acid position is highly conserved in available vertebrate species. Sequence variations that modify the initiation codon are expected to result in either loss of translation initiation, N-terminal truncation, or cause a shift in the mRNA reading frame. Based on the supporting evidence, this alteration is interpreted as a disease-causing mutation.

Labcorp Genetics (formerly Invitae), Labcorp
Classification: Uncertain significance for Breast-ovarian cancer, familial, susceptibility to, 4. Last evaluated: 2021-07-15. Review status: criteria provided, single submitter. Criteria: Invitae Variant Classification Sherloc (09022015). Collection method: clinical testing. Allele origin: germline.
Comment: In summary, the available evidence is currently insufficient to determine the role of this variant in disease. Therefore, it has been classified as a Variant of Uncertain Significance. RNA analysis indicates that this variant does not impact mRNA splicing (PMID: 24130102). Experimental studies and prediction algorithms are not available or were not evaluated, and the functional significance of this variant is currently unknown. ClinVar contains an entry for this variant (Variation ID: 420660). Disruption of the initiator codon has been observed in individual(s) with breast, ovarian, and/or colorectal cancer (PMID: 24130102, 26681312, 30322717). This variant is not present in population databases (ExAC no frequency). This sequence change affects the initiator methionine of the RAD51D mRNA. The next in-frame methionine is located at codon 16.

GeneDx
Classification: Likely pathogenic. Last evaluated: 2016-03-21. Review status: criteria provided, single submitter. Criteria: GeneDx Variant Classification (06012015). Collection method: clinical testing. Allele origin: germline. Affected: yes.
Comment: This variant alters the initiator Methionine codon, and the resultant protein would be described as Â“p.Met1?Â” to signify that it is not known if the loss of Met1 prevents all protein translation or if an abnormal protein is produced using an alternate Methionine codon. RAD51D c.2T>G has not been previously published as a pathogenic variant, nor has it been reported as a benign polymorphism to our knowledge. However, the adjacent variant RAD51D c.1A>T, which also results in p.Met1?, has been reported in an individual with a personal history of both breast and ovarian cancer (Gutierrez-Enriquez 2014). As RAD51D c.2T>G is predicted to alter normal protein production, it is considered a likely pathogenic variant.

Literature cited by the submitters: PubMed 24130102 (cited by Labcorp Genetics (formerly Invitae), Labcorp); PubMed 26681312 (cited by Labcorp Genetics (formerly Invitae), Labcorp); PubMed 30322717 (cited by Labcorp Genetics (formerly Invitae), Labcorp).